The following is an entry in ClinVar:

NM_000094.4(COL7A1):c.3920C>T (p.Pro1307Leu)

Gene: COL7A1 (collagen type VII alpha 1 chain; minus strand). Cytogenetic location: 3p21.31.
Variant type: single nucleotide variant.
Coding change: c.3920C>T on transcript NM_000094.4 (MANE Select); coding-DNA position 3920, C replaced by T.
Protein change: p.Pro1307Leu; replaces proline 1307 with leucine.
Molecular consequence: missense variant.
Genome position (GRCh38, 1-based): chr3:48,585,091, G>A on the plus strand (C>T on the coding strand, the complement: COL7A1 is on the minus strand). VCF-style: chr3-48585091-G-A. GRCh37 (hg19) VCF-style: chr3-48622524-G-A.
Other names: short protein forms P1307L.
Identifiers: ClinVar variation 1386799 (VCV001386799.5), dbSNP rs1455856448, ClinGen allele CA352698282.
Genomic context (GRCh38, chr3:48,585,091, plus strand): 5'-CTCACCTTTAGGCCAGGGGCTCCAGGGGTCCCAGGATTCCCGGCGCGGCCAGGGCTGCCT[G>A]GACGCCCATCTGCTCCAGGGAAGCCCTGAGGAGGTGAAGAGGTCAGGACAGGAAGGGACC-3'
Protein context (NP_000085.1, residues 1297-1317): ERGFPGADGR[Pro1307Leu]GSPGRAGNPG

ClinVar aggregate classification (germline): Uncertain significance (1 of 4 stars; one submission).

Allele frequency attached by ClinVar (database versions not stated): gnomAD exomes below 0.00001.
gnomAD v4.1: 1 of 1,611,986 alleles (0.000062%); highest among the groups gnomAD compares: Non-Finnish European, 0.000085%; no homozygotes.

Submission:

Labcorp Genetics (formerly Invitae), Labcorp
Classification: Uncertain significance. Last evaluated: 2022-02-05. Review status: criteria provided, single submitter. Criteria: Invitae Variant Classification Sherloc (09022015). Collection method: clinical testing. Allele origin: germline.
Comment: This sequence change replaces proline, which is neutral and non-polar, with leucine, which is neutral and non-polar, at codon 1307 of the COL7A1 protein (p.Pro1307Leu). This variant is present in population databases (no rsID available, gnomAD 0.0009%). This variant has not been reported in the literature in individuals affected with COL7A1-related conditions. Algorithms developed to predict the effect of missense changes on protein structure and function are either unavailable or do not agree on the potential impact of this missense change (SIFT: "Deleterious"; PolyPhen-2: "Not Available"; Align-GVGD: "Class C15"). In summary, the available evidence is currently insufficient to determine the role of this variant in disease. Therefore, it has been classified as a Variant of Uncertain Significance.